The following is an entry in ClinVar:

ClinVar aggregate classification (germline): Uncertain significance (1 of 4 stars; one submission).

Submission:

GeneDx
Classification: Uncertain significance. Last evaluated: 2017-03-20. Review status: criteria provided, single submitter. Criteria: GeneDx Variant Classification (06012015). Collection method: clinical testing. Allele origin: germline. Affected: yes.
Comment: The L189V variant in the ALDH5A1 gene has not been reported previously as a pathogenic variant, nor as a benign variant, to our knowledge. The L189V variant is not observed in large population cohorts (Lek et al., 2016; 1000 Genomes Consortium et al., 2015; Exome Variant Server). The L189V variant is a conservative amino acid substitution, which is not likely to impact secondary protein structure as these residues share similar properties. This substitution occurs at a position where amino acids with similar properties to Leucine are tolerated across species. In silico analysis is inconsistent in its predictions as to whether or not the variant is damaging to the protein structure/function. We interpret L189V as a variant of uncertain significance.

NM_001080.3(ALDH5A1):c.565C>G (p.Leu189Val)

Gene: ALDH5A1 (aldehyde dehydrogenase 5 family member A1; plus strand). Cytogenetic location: 6p22.3.
Variant type: single nucleotide variant.
Coding change: c.565C>G on transcript NM_001080.3 (MANE Select); coding-DNA position 565, C replaced by G.
Protein change: p.Leu189Val; replaces leucine 189 with valine.
Molecular consequence: missense variant.
Genome position (GRCh38, 1-based): chr6:24,503,389, C>G. VCF-style: chr6-24503389-C-G. GRCh37 (hg19) VCF-style: chr6-24503617-C-G.
Other names: c.565C>G, p.Leu189Val (NM_001368954.1, NM_170740.1); short protein forms L189V.
Identifiers: ClinVar variation 424336 (VCV000424336.2), dbSNP rs1064796918, ClinGen allele CA16618273.